The following is an entry in ClinVar:

NM_015404.4(WHRN):c.616A>G (p.Lys206Glu)

Gene: WHRN (whirlin; minus strand). Cytogenetic location: 9q32.
Variant type: single nucleotide variant.
Coding change: c.616A>G on transcript NM_015404.4 (MANE Select); coding-DNA position 616, A replaced by G.
Protein change: p.Lys206Glu; replaces lysine 206 with glutamic acid.
Molecular consequence: missense variant.
Genome position (GRCh38, 1-based): chr9:114,504,186, T>C on the plus strand (A>G on the coding strand, the complement: WHRN is on the minus strand). VCF-style: chr9-114504186-T-C. GRCh37 (hg19) VCF-style: chr9-117266466-T-C.
Other names: c.616A>G, p.Lys206Glu (NM_001173425.2); short protein forms K206E.
Identifiers: ClinVar variation 1800555 (VCV001800555.1), dbSNP rs2493900713, ClinGen allele CA374611669.

ClinVar aggregate classification (germline): Uncertain significance (1 of 4 stars; one submission).

Submission:

GeneDx
Classification: Uncertain significance. Last evaluated: 2022-05-17. Review status: criteria provided, single submitter. Criteria: GeneDx Variant Classification Process June 2021. Collection method: clinical testing. Allele origin: germline. Affected: yes.
Comment: Not observed at significant frequency in large population cohorts (gnomAD); In silico analysis supports that this missense variant does not alter protein structure/function; Has not been previously published as pathogenic or benign to our knowledge